The following is an entry in ClinVar:

ClinVar aggregate classification (germline): Likely benign. Review status: criteria provided, multiple submitters, no conflicts (2 of 4 stars). 2 submissions from 2 submitters: Likely benign (2). Last evaluated 2025-12-01.

Conditions:
Arterial tortuosity syndrome (ATORS). Identifiers: Orphanet 3342, MedGen C1859726, MONDO:0008818, OMIM 208050.

Submissions (2):

Labcorp Genetics (formerly Invitae), Labcorp
Classification: Likely benign for Arterial tortuosity syndrome. Last evaluated: 2025-12-01. Review status: criteria provided, single submitter. Criteria: Invitae Variant Classification Sherloc (09022015). Collection method: clinical testing. Allele origin: germline.

GeneDx
Classification: Likely benign. Last evaluated: 2018-03-22. Review status: criteria provided, single submitter. Criteria: GeneDx Variant Classification (06012015). Collection method: clinical testing. Allele origin: germline. Affected: yes.
Comment: This variant is considered likely benign or benign based on one or more of the following criteria: it is a conservative change, it occurs at a poorly conserved position in the protein, it is predicted to be benign by multiple in silico algorithms, and/or has population frequency not consistent with disease.

NM_030777.4(SLC2A10):c.1191G>A (p.Gly397=)

Gene: SLC2A10 (solute carrier family 2 member 10; plus strand). Cytogenetic location: 20q13.12.
Variant type: single nucleotide variant.
Coding change: c.1191G>A on transcript NM_030777.4 (MANE Select); coding-DNA position 1191, G replaced by A.
Protein change: p.Gly397=; no amino-acid change (glycine 397 retained).
Molecular consequence: synonymous variant.
Genome position (GRCh38, 1-based): chr20:46,726,227, G>A. VCF-style: chr20-46726227-G-A. GRCh37 (hg19) VCF-style: chr20-45354866-G-A.
Identifiers: ClinVar variation 681046 (VCV000681046.2), dbSNP rs750216918, ClinGen allele CA510771017.